The following is an entry in ClinVar:

NM_001042492.3(NF1):c.6220A>T (p.Met2074Leu)

Gene: NF1 (neurofibromin 1; plus strand). Cytogenetic location: 17q11.2.
Variant type: single nucleotide variant.
Coding change: c.6220A>T on transcript NM_001042492.3 (MANE Select); coding-DNA position 6220, A replaced by T.
Protein change: p.Met2074Leu; replaces methionine 2074 with leucine.
Molecular consequence: missense variant.
Genome position (GRCh38, 1-based): chr17:31,336,707, A>T. VCF-style: chr17-31336707-A-T. GRCh37 (hg19) VCF-style: chr17-29663725-A-T.
Other names: c.6157A>T, p.Met2053Leu (NM_000267.4); short protein forms M2053L, M2074L.
Identifiers: ClinVar variation 2114649 (VCV002114649.4), dbSNP rs2151554495, ClinGen allele CA399011967.

ClinVar aggregate classification (germline): Uncertain significance (1 of 4 stars; one submission).

Conditions:
Neurofibromatosis, type 1 (NF1). Also called: NEUROFIBROMATOSIS, TYPE I, SOMATIC; Neurofibromatosis, type I; Peripheral type neurofibromatosis; VON RECKLINGHAUSEN DISEASE. Identifiers: Orphanet 636, MedGen C0027831, MONDO:0018975, OMIM 162200. Disease mechanism: loss of function.

Submission:

Labcorp Genetics (formerly Invitae), Labcorp
Classification: Uncertain significance for Neurofibromatosis, type 1. Last evaluated: 2022-06-29. Review status: criteria provided, single submitter. Criteria: Invitae Variant Classification Sherloc (09022015). Collection method: clinical testing. Allele origin: germline.
Comment: In summary, the available evidence is currently insufficient to determine the role of this variant in disease. Therefore, it has been classified as a Variant of Uncertain Significance. Advanced modeling of protein sequence and biophysical properties (such as structural, functional, and spatial information, amino acid conservation, physicochemical variation, residue mobility, and thermodynamic stability) performed at Invitae indicates that this missense variant is not expected to disrupt NF1 protein function. This variant has not been reported in the literature in individuals affected with NF1-related conditions. This variant is not present in population databases (gnomAD no frequency). This sequence change replaces methionine, which is neutral and non-polar, with leucine, which is neutral and non-polar, at codon 2053 of the NF1 protein (p.Met2053Leu).